The following is an entry in ClinVar:

NM_000287.4(PEX6):c.1007A>G (p.Asn336Ser)

Gene: PEX6 (peroxisomal biogenesis factor 6; minus strand). Cytogenetic location: 6p21.1.
Variant type: single nucleotide variant.
Coding change: c.1007A>G on transcript NM_000287.4 (MANE Select); coding-DNA position 1007, A replaced by G.
Protein change: p.Asn336Ser; replaces asparagine 336 with serine.
Molecular consequence: missense variant. On other transcripts: non-coding transcript variant (1).
Genome position (GRCh38, 1-based): chr6:42,974,914, T>C on the plus strand (A>G on the coding strand, the complement: PEX6 is on the minus strand). VCF-style: chr6-42974914-T-C. GRCh37 (hg19) VCF-style: chr6-42942652-T-C.
Other names: c.743A>G, p.Asn248Ser (NM_001316313.2); short protein forms N248S, N336S.
Identifiers: ClinVar variation 2632706 (VCV002632706.1), dbSNP rs755906886, ClinGen allele CA3811495.

ClinVar aggregate classification (germline): Uncertain significance (1 of 4 stars; one submission).

Conditions:
PEX6-related disorder. Also called: PEX6-related condition; PEX6-related disorders.

Allele frequency attached by ClinVar (database versions not stated): gnomAD exomes below 0.00001; TOPMed below 0.00001; ExAC 0.00001; gnomAD 0.00001.
gnomAD v4.1: 2 of 1,613,966 alleles (0.00012%); highest among the groups gnomAD compares: Non-Finnish European, 0.00017%; no homozygotes.

Submission:

PreventionGenetics, part of Exact Sciences
Classification: Uncertain significance for PEX6-related condition. Last evaluated: 2023-06-15. Review status: criteria provided, single submitter. Criteria: ACMG Guidelines, 2015. Collection method: clinical testing. Allele origin: germline.
Comment: The PEX6 c.1007A>G variant is predicted to result in the amino acid substitution p.Asn336Ser. To our knowledge, this variant has not been reported in the literature. This variant is reported in 0.00088% of alleles in individuals of European (Non-Finnish) descent in gnomAD. At this time, the clinical significance of this variant is uncertain due to the absence of conclusive functional and genetic evidence.